The following is an entry in ClinVar:

ClinVar aggregate classification (germline): Likely benign. Review status: criteria provided, multiple submitters, no conflicts (2 of 4 stars). 2 submissions from 2 submitters: Likely benign (2). Last evaluated 2024-04-02.

Allele frequency attached by ClinVar (database versions not stated): gnomAD 0.00001; gnomAD exomes 0.00001; TOPMed 0.00001; ESP Exome Variant Server 0.00008.
gnomAD v4.1: 11 of 1,614,046 alleles (0.00068%); highest among the groups gnomAD compares: Admixed American, 0.0017%; no homozygotes.

Submissions (2):

Labcorp Genetics (formerly Invitae), Labcorp
Classification: Likely benign. Last evaluated: 2024-04-02. Review status: criteria provided, single submitter. Criteria: Invitae Variant Classification Sherloc (09022015). Collection method: clinical testing. Allele origin: germline.

CeGaT Center for Human Genetics Tuebingen
Classification: Likely benign. Last evaluated: 2022-12-01. Review status: criteria provided, single submitter. Criteria: CeGaT Center For Human Genetics Tuebingen Variant Classification Criteria Version 2. Collection method: clinical testing. Allele origin: germline. Affected: yes. Observed: 1 variant allele.
Comment: PTPRO: BP4, BP7

NM_030667.3(PTPRO):c.3297A>G (p.Ala1099=)

Gene: PTPRO (protein tyrosine phosphatase receptor type O; plus strand). Cytogenetic location: 12p12.3.
Variant type: single nucleotide variant.
Coding change: c.3297A>G on transcript NM_030667.3 (MANE Select); coding-DNA position 3297, A replaced by G.
Protein change: p.Ala1099=; no amino-acid change (alanine 1099 retained).
Molecular consequence: synonymous variant.
Genome position (GRCh38, 1-based): chr12:15,586,938, A>G. VCF-style: chr12-15586938-A-G. GRCh37 (hg19) VCF-style: chr12-15739872-A-G.
Other names: c.3213A>G, p.Ala1071= (NM_002848.4); c.780A>G, p.Ala260= (NM_030668.3, NM_030670.3); c.864A>G, p.Ala288= (NM_030669.3, NM_030671.3).
Identifiers: ClinVar variation 2642762 (VCV002642762.26), dbSNP rs374557625, ClinGen allele CA233335158.